The following is an entry in ClinVar:

ClinVar aggregate classification (germline): Benign/Likely benign. Review status: criteria provided, multiple submitters, no conflicts (2 of 4 stars). 5 submissions from 4 submitters: Benign (4); Likely benign (1). Last evaluated 2026-01-19.

Conditions:
Atrichia with papular lesions (APL). Also called: PAPULAR ATRICHIA. Identifiers: Orphanet 86819, MedGen C1859592, MONDO:0008847, OMIM 209500.
Alopecia universalis congenita (ALUNC). Also called: ATRICHIA, GENERALIZED. Identifiers: Orphanet 701, MedGen C1859877, MONDO:0008757, OMIM 203655.

Allele frequency attached by ClinVar (database versions not stated): ESP Exome Variant Server 0.00038; TOPMed 0.00196; gnomAD 0.00199 and 0.00220; 1000 Genomes Project 30x 0.00328; 1000 Genomes Project 0.00359.
gnomAD v4.1: 2,726 of 1,544,550 alleles (0.18%); highest among the groups gnomAD compares: Middle Eastern, 1%; 30 homozygotes.

Submissions (5):

Labcorp Genetics (formerly Invitae), Labcorp
Classification: Benign. Last evaluated: 2026-01-19. Review status: criteria provided, single submitter. Criteria: Invitae Variant Classification Sherloc (09022015). Collection method: clinical testing. Allele origin: germline.

CeGaT Center for Human Genetics Tuebingen
Classification: Likely benign. Last evaluated: 2023-01-01. Review status: criteria provided, single submitter. Criteria: CeGaT Center For Human Genetics Tuebingen Variant Classification Criteria Version 2. Collection method: clinical testing. Allele origin: germline. Affected: yes. Observed: 2 variant alleles.
Comment: HR: BP4, BP7, BS2

Illumina Laboratory Services, Illumina
Classification: Benign for Alopecia universalis congenita. Last evaluated: 2018-01-13. Review status: criteria provided, single submitter. Criteria: ICSL Variant Classification Criteria 13 December 2019. Collection method: clinical testing. Allele origin: germline.
Comment: This variant was observed in the ICSL laboratory as part of a predisposition screen in an ostensibly healthy population. It had not been previously curated by ICSL or reported in the Human Gene Mutation Database (HGMD: prior to June 1st, 2018), and was therefore a candidate for classification through an automated scoring system. Utilizing variant allele frequency, disease prevalence and penetrance estimates, and inheritance mode, an automated score was calculated to assess if this variant is too frequent to cause the disease. Based on the score and internal cut-off values, a variant classified as benign is not then subjected to further curation. The score for this variant resulted in a classification of benign for this disease.

Illumina Laboratory Services, Illumina
Classification: Benign for Atrichia with papular lesions. Last evaluated: 2018-01-13. Review status: criteria provided, single submitter. Criteria: ICSL Variant Classification Criteria 13 December 2019. Collection method: clinical testing. Allele origin: germline.
Comment: the same text as in the submission from Illumina Laboratory Services, Illumina above.

Breakthrough Genomics
Classification: Benign. Review status: criteria provided, single submitter. Criteria: ACMG Guidelines, 2015. Collection method: not provided. Allele origin: germline. Inheritance: Autosomal recessive inheritance. Affected: yes.

NM_005144.5(HR):c.2526A>C (p.Pro842=)

Gene: HR (HR lysine demethylase and nuclear receptor corepressor; minus strand). Cytogenetic location: 8p21.3.
Variant type: single nucleotide variant.
Coding change: c.2526A>C on transcript NM_005144.5 (MANE Select); coding-DNA position 2526, A replaced by C.
Protein change: p.Pro842=; no amino-acid change (proline 842 retained).
Molecular consequence: synonymous variant.
Genome position (GRCh38, 1-based): chr8:22,120,800, T>G on the plus strand (A>C on the coding strand, the complement: HR is on the minus strand). VCF-style: chr8-22120800-T-G. GRCh37 (hg19) VCF-style: chr8-21978313-T-G.
Other names: c.2526A>C, p.Pro842= (NM_018411.4).
Identifiers: ClinVar variation 362492 (VCV000362492.34), dbSNP rs371431900, ClinGen allele CA4662085.